The following is an entry in ClinVar:

NM_130839.5(UBE3A):c.356T>G (p.Phe119Cys)

Genes: SNHG14 (small nucleolar RNA host gene 14; plus strand), UBE3A (ubiquitin protein ligase E3A; minus strand). Cytogenetic location: 15q11.2.
Variant type: single nucleotide variant.
Coding change: c.356T>G on transcript NM_130839.5 (MANE Select); coding-DNA position 356, T replaced by G.
Protein change: p.Phe119Cys; replaces phenylalanine 119 with cysteine.
Molecular consequence: missense variant. On other transcripts: non-coding transcript variant (1).
Genome position (GRCh38, 1-based): chr15:25,375,470, A>C on the plus strand (T>G on the coding strand, the complement: UBE3A is on the minus strand). VCF-style: chr15-25375470-A-C. GRCh37 (hg19) VCF-style: chr15-25620617-A-C.
Other names: c.296T>G, p.Phe99Cys (NM_001354548.2, NM_001354549.2, NM_001354551.2 and 18 more transcripts); c.356T>G, p.Phe119Cys (NM_001354550.2, NM_001354505.1, NM_001354538.2 and 1 more transcripts); c.365T>G, p.Phe122Cys (NM_000462.5); c.179T>G, p.Phe60Cys (NM_001354546.2); short protein forms F119C, F122C, F60C, F99C.
Identifiers: ClinVar variation 1676853 (VCV001676853.9), dbSNP rs753429030, ClinGen allele CA7435663.
Genomic context (GRCh38, chr15:25,375,470, plus strand): 5'-AATCTCCCACATGGTTTTCAGGCAACAATTCTCAATTGAAAATAAAACATCTTACCTTTA[A>C]AATCAATTCTAGCGCCTTTCTTGTTCATTTTTATCTCAGAGCAGGAGTTGTTGGGGGCAC-3'
Protein context (NP_570854.1, residues 109-129): KMNKKGARID[Phe119Cys]KDVTYLTEEK

ClinVar aggregate classification (germline): Uncertain significance. Review status: criteria provided, multiple submitters, no conflicts (2 of 4 stars). 3 submissions from 3 submitters: Uncertain significance (3). Last evaluated 2024-04-30.

Conditions:
Angelman syndrome (AS). Also called: HAPPY PUPPET SYNDROME. Identifiers: Orphanet 72, MedGen C0162635, MONDO:0007113, OMIM 105830. Disease mechanism: loss of function. Inheritance: AS is caused by disruption of maternally imprinted UBE3A located within the 15q11.2-q13 Angelman syndrome/Prader-Willi syndrome (AS/PWS) region., imprinting disorder.
Inborn genetic diseases. Identifiers: MedGen C0950123, MeSH D030342.

Allele frequency attached by ClinVar (database versions not stated): ExAC 0.00001; gnomAD exomes 0.00001.
gnomAD v4.1: 4 of 1,614,016 alleles (0.00025%); highest among the groups gnomAD compares: Admixed American, 0.005%; no homozygotes.

Submissions (3):

GeneDx
Classification: Uncertain significance. Last evaluated: 2024-04-30. Review status: criteria provided, single submitter. Criteria: GeneDx Variant Classification Process June 2021. Collection method: clinical testing. Allele origin: germline. Affected: yes.
Comment: Reported as p.F122C using an alternate transcript of the gene in an individual with a suspected genetic disorder in published literature; however, no further clinical or segregation information was provided (PMID: 37432431); Not observed at significant frequency in large population cohorts (gnomAD); In silico analysis supports that this missense variant does not alter protein structure/function; This variant is associated with the following publications: (PMID: 37432431)

Labcorp Genetics (formerly Invitae), Labcorp
Classification: Uncertain significance for Angelman syndrome. Last evaluated: 2024-03-25. Review status: criteria provided, single submitter. Criteria: Invitae Variant Classification Sherloc (09022015). Collection method: clinical testing. Allele origin: germline.
Comment: This sequence change replaces phenylalanine, which is neutral and non-polar, with cysteine, which is neutral and slightly polar, at codon 99 of the UBE3A protein (p.Phe99Cys). This variant is present in population databases (rs753429030, gnomAD 0.006%). This variant has not been reported in the literature in individuals affected with UBE3A-related conditions. ClinVar contains an entry for this variant (Variation ID: 1676853). Advanced modeling of protein sequence and biophysical properties (such as structural, functional, and spatial information, amino acid conservation, physicochemical variation, residue mobility, and thermodynamic stability) performed at Invitae indicates that this missense variant is expected to disrupt UBE3A protein function with a positive predictive value of 95%. In summary, the available evidence is currently insufficient to determine the role of this variant in disease. Therefore, it has been classified as a Variant of Uncertain Significance.

Ambry Genetics
Classification: Uncertain significance for Inborn genetic diseases. Last evaluated: 2022-03-21. Review status: criteria provided, single submitter. Criteria: Ambry Variant Classification Scheme 2023. Collection method: clinical testing. Allele origin: germline.